The following is an entry in ClinVar:

ClinVar aggregate classification (germline): Uncertain significance (1 of 4 stars; one submission).

Allele frequency attached by ClinVar (database versions not stated): TOPMed below 0.00001; ExAC 0.00008.
gnomAD v4.1: 25 of 1,614,096 alleles (0.0015%); highest among the groups gnomAD compares: Non-Finnish European, 0.0019%; no homozygotes.

Submission:

Labcorp Genetics (formerly Invitae), Labcorp
Classification: Uncertain significance. Last evaluated: 2022-12-27. Review status: criteria provided, single submitter. Criteria: Invitae Variant Classification Sherloc (09022015). Collection method: clinical testing. Allele origin: germline.
Comment: In summary, the available evidence is currently insufficient to determine the role of this variant in disease. Therefore, it has been classified as a Variant of Uncertain Significance. Algorithms developed to predict the effect of missense changes on protein structure and function are either unavailable or do not agree on the potential impact of this missense change (SIFT: "Deleterious"; PolyPhen-2: "Benign"; Align-GVGD: "Class C0"). This variant has not been reported in the literature in individuals affected with TNFRSF11B-related conditions. This variant is present in population databases (rs759091942, gnomAD 0.009%). This sequence change replaces asparagine, which is neutral and polar, with lysine, which is basic and polar, at codon 391 of the TNFRSF11B protein (p.Asn391Lys).

NM_002546.4(TNFRSF11B):c.1173C>G (p.Asn391Lys)

Gene: TNFRSF11B (TNF receptor superfamily member 11b; minus strand). Cytogenetic location: 8q24.12.
Variant type: single nucleotide variant.
Coding change: c.1173C>G on transcript NM_002546.4 (MANE Select); coding-DNA position 1173, C replaced by G.
Protein change: p.Asn391Lys; replaces asparagine 391 with lysine.
Molecular consequence: missense variant.
Genome position (GRCh38, 1-based): chr8:118,924,407, G>C on the plus strand (C>G on the coding strand, the complement: TNFRSF11B is on the minus strand). VCF-style: chr8-118924407-G-C. GRCh37 (hg19) VCF-style: chr8-119936646-G-C.
Other names: short protein forms N391K.
Identifiers: ClinVar variation 2810350 (VCV002810350.3), dbSNP rs759091942, ClinGen allele CA4854755.